The following is an entry in ClinVar:

ClinVar aggregate classification (germline): Benign/Likely benign. Review status: criteria provided, multiple submitters, no conflicts (2 of 4 stars). 4 submissions from 4 submitters: Benign (1); Likely benign (3). Last evaluated 2025-02-20.

Conditions:
Hereditary cancer-predisposing syndrome. Also called: Neoplastic Syndromes, Hereditary; Tumor predisposition; Hereditary Cancer Syndrome; Hereditary neoplastic syndrome. Identifiers: Orphanet 140162, MedGen C0027672, MeSH D009386, MONDO:0015356.
Breast-ovarian cancer, familial, susceptibility to, 4. Identifiers: Orphanet 145, MedGen C3280345, MONDO:0013669, OMIM 614291.

Allele frequency attached by ClinVar (database versions not stated): gnomAD 0.00001; gnomAD exomes 0.00001; ExAC 0.00002.
gnomAD v4.1: 16 of 1,614,058 alleles (0.00099%); highest among the groups gnomAD compares: South Asian, 0.013%; no homozygotes.

Submissions (4):

Myriad Genetics, Inc.
Classification: Benign for Breast-ovarian cancer, familial, susceptibility to, 4. Last evaluated: 2025-02-20. Review status: criteria provided, single submitter. Criteria: Myriad Autosomal Dominant, Autosomal Recessive and X-Linked Classification Criteria (2023). Collection method: clinical testing. Allele origin: unknown.
Comment: This variant is considered benign. This variant is a silent/synonymous amino acid change and it is not expected to impact splicing.

Labcorp Genetics (formerly Invitae), Labcorp
Classification: Likely benign for Breast-ovarian cancer, familial, susceptibility to, 4. Last evaluated: 2025-02-06. Review status: criteria provided, single submitter. Criteria: Invitae Variant Classification Sherloc (09022015). Collection method: clinical testing. Allele origin: germline.

Color Diagnostics, LLC DBA Color Health
Classification: Likely benign for Hereditary cancer-predisposing syndrome. Last evaluated: 2016-02-22. Review status: criteria provided, single submitter. Criteria: ACMG Guidelines, 2015. Collection method: clinical testing. Allele origin: germline.

Ambry Genetics
Classification: Likely benign for Hereditary cancer-predisposing syndrome. Last evaluated: 2015-06-19. Review status: criteria provided, single submitter. Criteria: Ambry Variant Classification Scheme 2023. Collection method: clinical testing. Allele origin: germline.

NM_002878.4(RAD51D):c.186G>A (p.Ser62=)

Genes: RAD51D (RAD51 paralog D; minus strand), RAD51L3-RFFL (RAD51L3-RFFL readthrough; minus strand). Cytogenetic location: 17q12.
Variant type: single nucleotide variant.
Coding change: c.186G>A on transcript NM_002878.4 (MANE Select); coding-DNA position 186, G replaced by A.
Protein change: p.Ser62=; no amino-acid change (serine 62 retained).
Molecular consequence: synonymous variant. On other transcripts: intron variant (2).
Genome position (GRCh38, 1-based): chr17:35,118,578, C>T on the plus strand (G>A on the coding strand, the complement: RAD51D is on the minus strand). VCF-style: chr17-35118578-C-T. GRCh37 (hg19) VCF-style: chr17-33445597-C-T.
Other names: c.144+533G>A (NM_133629.3, NM_001142571.2).
Identifiers: ClinVar variation 232539 (VCV000232539.18), dbSNP rs746984258, ClinGen allele CA8499634.